The following is an entry in ClinVar:

NM_001048174.2(MUTYH):c.1125G>C (p.Glu375Asp)

Gene: MUTYH (mutY DNA glycosylase; minus strand). Cytogenetic location: 1p34.1.
Variant type: single nucleotide variant.
Coding change: c.1125G>C on transcript NM_001048174.2 (MANE Select); coding-DNA position 1125, G replaced by C.
Protein change: p.Glu375Asp; replaces glutamic acid 375 with aspartic acid.
Molecular consequence: missense variant. On other transcripts: non-coding transcript variant (2).
Genome position (GRCh38, 1-based): chr1:45,331,534, C>G on the plus strand (G>C on the coding strand, the complement: MUTYH is on the minus strand). VCF-style: chr1-45331534-C-G. GRCh37 (hg19) VCF-style: chr1-45797206-C-G.
Other names: c.1125G>C, p.Glu375Asp (NM_001048171.2, NM_001048173.2, NM_001293195.2); c.1128G>C, p.Glu376Asp (NM_001048172.2); c.1209G>C, p.Glu403Asp (NM_001128425.2); c.1170G>C, p.Glu390Asp (NM_001293190.2); c.1158G>C, p.Glu386Asp (NM_001293191.2); c.849G>C, p.Glu283Asp (NM_001293192.2, NM_001293196.2); c.780G>C, p.Glu260Asp (NM_001350650.2, NM_001350651.2); c.1200G>C, p.Glu400Asp (NM_012222.3); short protein forms E400D, E260D, E375D, E403D, E283D, E376D, E386D, E390D.
Identifiers: ClinVar variation 662771 (VCV000662771.10), dbSNP rs876660199, ClinGen allele CA340133119.

ClinVar aggregate classification (germline): Uncertain significance (1 of 4 stars; one submission).

Conditions:
Familial adenomatous polyposis 2. Also called: COLORECTAL ADENOMATOUS POLYPOSIS, AUTOSOMAL RECESSIVE; ADENOMAS, MULTIPLE COLORECTAL, AUTOSOMAL RECESSIVE; MYH-associated polyposis; MUTYH Polyposis; Adenomas, multiple colorectal; MUTYH-associated polyposis. Identifiers: Orphanet 220460, Orphanet 247798, MedGen C3272841, MONDO:0012041, OMIM 608456.

Submission:

Labcorp Genetics (formerly Invitae), Labcorp
Classification: Uncertain significance for Familial adenomatous polyposis 2. Last evaluated: 2024-02-24. Review status: criteria provided, single submitter. Criteria: Invitae Variant Classification Sherloc (09022015). Collection method: clinical testing. Allele origin: germline.
Comment: This sequence change replaces glutamic acid, which is acidic and polar, with aspartic acid, which is acidic and polar, at codon 403 of the MUTYH protein (p.Glu403Asp). This variant is not present in population databases (gnomAD no frequency). This variant has not been reported in the literature in individuals affected with MUTYH-related conditions. ClinVar contains an entry for this variant (Variation ID: 662771). An algorithm developed to predict the effect of missense changes on protein structure and function (PolyPhen-2) suggests that this variant is likely to be disruptive. In summary, the available evidence is currently insufficient to determine the role of this variant in disease. Therefore, it has been classified as a Variant of Uncertain Significance.